The following is an entry in ClinVar:

ClinVar aggregate classification (germline): Likely benign. Review status: criteria provided, multiple submitters, no conflicts (2 of 4 stars). 4 submissions from 4 submitters: Likely benign (3). 1 of the submissions does not count toward it. Last evaluated 2025-06-09.

Conditions:
DNAAF2-related disorder. Also called: DNAAF2-related condition.
Primary ciliary dyskinesia. Also called: Ciliary dyskinesia. Identifiers: Orphanet 244, MedGen C0008780, MONDO:0016575, HP:0012265.

Allele frequency attached by ClinVar (database versions not stated): gnomAD exomes 0.00001 and 0.00004; gnomAD 0.00002 and 0.00005; TOPMed 0.00002; ExAC 0.00007; 1000 Genomes Project 0.00040; 1000 Genomes Project 30x 0.00047.
gnomAD v4.1: 28 of 1,613,780 alleles (0.0017%); highest among the groups gnomAD compares: East Asian, 0.029%; no homozygotes.

Submissions (4):

Labcorp Genetics (formerly Invitae), Labcorp
Classification: Likely benign for Primary ciliary dyskinesia. Last evaluated: 2025-06-09. Review status: criteria provided, single submitter. Criteria: Invitae Variant Classification Sherloc (09022015). Collection method: clinical testing. Allele origin: germline.

Blueprint Genetics
Classification: Likely benign. Last evaluated: 2022-09-30. Review status: criteria provided, single submitter. Criteria: ACMG Guidelines, 2015. Collection method: clinical testing. Allele origin: germline.

Ambry Genetics
Classification: Likely benign for Primary ciliary dyskinesia. Last evaluated: 2019-06-15. Review status: criteria provided, single submitter. Criteria: Ambry Variant Classification Scheme 2023. Collection method: clinical testing. Allele origin: germline.

PreventionGenetics, part of Exact Sciences
Classification: Likely benign for DNAAF2-related condition. Last evaluated: 2019-06-18. Review status: no assertion criteria provided. Collection method: clinical testing. Allele origin: germline. Not counted in ClinVar's aggregate classification.
Comment: This variant is classified as likely benign based on ACMG/AMP sequence variant interpretation guidelines (Richards et al. 2015 PMID: 25741868, with internal and published modifications).

NM_018139.3(DNAAF2):c.2415A>G (p.Lys805=)

Gene: DNAAF2 (dynein axonemal assembly factor 2; minus strand). Cytogenetic location: 14q21.3.
Variant type: single nucleotide variant.
Coding change: c.2415A>G on transcript NM_018139.3 (MANE Select); coding-DNA position 2415, A replaced by G.
Protein change: p.Lys805=; no amino-acid change (lysine 805 retained).
Molecular consequence: synonymous variant.
Genome position (GRCh38, 1-based): chr14:49,625,641, T>C on the plus strand (A>G on the coding strand, the complement: DNAAF2 is on the minus strand). VCF-style: chr14-49625641-T-C. GRCh37 (hg19) VCF-style: chr14-50092359-T-C.
Other names: c.2271A>G, p.Lys757= (NM_001083908.2); c.204A>G, p.Lys68= (NM_001378453.1).
Identifiers: ClinVar variation 416621 (VCV000416621.17), dbSNP rs201826641, ClinGen allele CA7172703.